The following is an entry in ClinVar:

ClinVar aggregate classification (germline): Uncertain significance (1 of 4 stars; one submission).

Conditions:
Focal segmental glomerulosclerosis 5 (FSGS5). Identifiers: Orphanet 656, MedGen C2750475, MONDO:0013191, OMIM 613237.
Charcot-Marie-Tooth disease dominant intermediate E. Also called: CHARCOT-MARIE-TOOTH NEUROPATHY WITH FOCAL SEGMENTAL GLOMERULONEPHRITIS. Identifiers: Orphanet 93114, MedGen C4302667, MONDO:0013758, OMIM 614455.

Allele frequency attached by ClinVar (database versions not stated): ExAC 0.00001; gnomAD 0.00001; ESP Exome Variant Server 0.00008.

Submission:

Labcorp Genetics (formerly Invitae), Labcorp
Classification: Uncertain significance for Charcot-Marie-Tooth disease dominant intermediate E; Focal segmental glomerulosclerosis 5. Last evaluated: 2023-11-03. Review status: criteria provided, single submitter. Criteria: Invitae Variant Classification Sherloc (09022015). Collection method: clinical testing. Allele origin: germline.
Comment: This sequence change replaces alanine, which is neutral and non-polar, with proline, which is neutral and non-polar, at codon 710 of the INF2 protein (p.Ala710Pro). This variant is present in population databases (rs373806518, gnomAD 0.0009%). This variant has not been reported in the literature in individuals affected with INF2-related conditions. ClinVar contains an entry for this variant (Variation ID: 1512784). Advanced modeling of protein sequence and biophysical properties (such as structural, functional, and spatial information, amino acid conservation, physicochemical variation, residue mobility, and thermodynamic stability) performed at Invitae indicates that this missense variant is not expected to disrupt INF2 protein function with a negative predictive value of 95%. In summary, the available evidence is currently insufficient to determine the role of this variant in disease. Therefore, it has been classified as a Variant of Uncertain Significance.

NM_022489.4(INF2):c.2128G>C (p.Ala710Pro)

Gene: INF2 (inverted formin 2; plus strand). Cytogenetic location: 14q32.33.
Variant type: single nucleotide variant.
Coding change: c.2128G>C on transcript NM_022489.4 (MANE Select); coding-DNA position 2128, G replaced by C.
Protein change: p.Ala710Pro; replaces alanine 710 with proline.
Molecular consequence: missense variant.
Genome position (GRCh38, 1-based): chr14:104,709,695, G>C. VCF-style: chr14-104709695-G-C. GRCh37 (hg19) VCF-style: chr14-105176032-G-C.
Other names: c.2128G>C, p.Ala710Pro (NM_001031714.4); short protein forms A710P.
Identifiers: ClinVar variation 1512784 (VCV001512784.8), dbSNP rs373806518, ClinGen allele CA7372829.